The following is an entry in ClinVar:

ClinVar aggregate classification (germline): Pathogenic (1 of 4 stars; one submission).

Conditions:
Kleefstra syndrome 1 (KLEFS1). Identifiers: Orphanet 261494, MedGen C0795833, MONDO:0027407, OMIM 610253.

Submission:

Laboratory of Genetics, Children's Clinical University Hospital Latvia
Classification: Pathogenic for Kleefstra syndrome 1. Review status: criteria provided, single submitter. Criteria: ACMG Guidelines, 2015. Collection method: curation. Allele origin: de novo. Affected: yes.
Comment: de novo

Literature cited by the submitters: PubMed 39013458.

NM_024757.5(EHMT1):c.2830C>T (p.His944Tyr)

Gene: EHMT1 (euchromatic histone lysine methyltransferase 1; plus strand). Cytogenetic location: 9q34.3.
Variant type: single nucleotide variant.
Coding change: c.2830C>T on transcript NM_024757.5 (MANE Select); coding-DNA position 2830, C replaced by T.
Protein change: p.His944Tyr; replaces histidine 944 with tyrosine.
Molecular consequence: missense variant.
Genome position (GRCh38, 1-based): chr9:137,811,578, C>T. VCF-style: chr9-137811578-C-T. GRCh37 (hg19) VCF-style: chr9-140706030-C-T.
Other names: c.2809C>T, p.His937Tyr (NM_001354263.2); short protein forms H937Y, H944Y.
Identifiers: ClinVar variation 3236891 (VCV003236891.1).
Genomic context (GRCh38, chr9:137,811,578, plus strand): 5'-ATCCTGCTGGCTGCCAAGTGCGACCTCCACGCCGTGAACATCCACGGAGACTCGCCACTG[C>T]ACATTGCCGCCCGGGAGAACCGCTACGACTGTGTCGTGTGAGTGCAGTGCTTCCCCCAGC-3'
Protein context (NP_079033.4, residues 934-954): AVNIHGDSPL[His944Tyr]IAARENRYDC